The following is an entry in ClinVar:

NM_000092.5(COL4A4):c.1477G>T (p.Ala493Ser)

Gene: COL4A4 (collagen type IV alpha 4 chain; minus strand). Cytogenetic location: 2q36.3.
Variant type: single nucleotide variant.
Coding change: c.1477G>T on transcript NM_000092.5 (MANE Select); coding-DNA position 1477, G replaced by T.
Protein change: p.Ala493Ser; replaces alanine 493 with serine.
Molecular consequence: missense variant.
Genome position (GRCh38, 1-based): chr2:227,088,799, C>A on the plus strand (G>T on the coding strand, the complement: COL4A4 is on the minus strand). VCF-style: chr2-227088799-C-A. GRCh37 (hg19) VCF-style: chr2-227953515-C-A.
Other names: short protein forms A493S.
Identifiers: ClinVar variation 1949445 (VCV001949445.2), dbSNP rs959664730, ClinGen allele CA66550370.

ClinVar aggregate classification (germline): Uncertain significance (1 of 4 stars; one submission).

gnomAD v4.1: 1 of 1,614,150 alleles (0.000062%); highest among the groups gnomAD compares: Non-Finnish European, 0.000085%; no homozygotes.

Submission:

Labcorp Genetics (formerly Invitae), Labcorp
Classification: Uncertain significance. Last evaluated: 2022-07-03. Review status: criteria provided, single submitter. Criteria: Invitae Variant Classification Sherloc (09022015). Collection method: clinical testing. Allele origin: germline.
Comment: This sequence change replaces alanine, which is neutral and non-polar, with serine, which is neutral and polar, at codon 493 of the COL4A4 protein (p.Ala493Ser). This variant is not present in population databases (gnomAD no frequency). This variant has not been reported in the literature in individuals affected with COL4A4-related conditions. Advanced modeling of protein sequence and biophysical properties (such as structural, functional, and spatial information, amino acid conservation, physicochemical variation, residue mobility, and thermodynamic stability) performed at Invitae indicates that this missense variant is not expected to disrupt COL4A4 protein function. In summary, the available evidence is currently insufficient to determine the role of this variant in disease. Therefore, it has been classified as a Variant of Uncertain Significance.